The following is an entry in ClinVar:

ClinVar aggregate classification (germline): Likely benign (1 of 4 stars; one submission).

Allele frequency attached by ClinVar (database versions not stated): TOPMed 0.00002; gnomAD 0.00003; ExAC 0.00065.

Submission:

CeGaT Center for Human Genetics Tuebingen
Classification: Likely benign. Last evaluated: 2022-10-01. Review status: criteria provided, single submitter. Criteria: CeGaT Center For Human Genetics Tuebingen Variant Classification Criteria Version 2. Collection method: clinical testing. Allele origin: germline. Affected: yes. Observed: 1 variant allele.
Comment: PPRC1: BP4, BP7

NM_015062.5(PPRC1):c.24A>G (p.Arg8=)

Genes: PPRC1 (PPARG related coactivator 1; plus strand), LOC130004585 (ATAC-STARR-seq lymphoblastoid active region 3922; plus strand). Cytogenetic location: 10q24.32.
Variant type: single nucleotide variant.
Coding change: c.24A>G on transcript NM_015062.5 (MANE Select); coding-DNA position 24, A replaced by G.
Protein change: p.Arg8=; no amino-acid change (arginine 8 retained).
Molecular consequence: synonymous variant. On other transcripts: 5 prime UTR variant (1).
Genome position (GRCh38, 1-based): chr10:102,133,092, A>G. VCF-style: chr10-102133092-A-G. GRCh37 (hg19) VCF-style: chr10-103892849-A-G.
Other names: c.24A>G, p.Arg8= (NM_001288727.2); c.-236A>G (NM_001288728.2).
Identifiers: ClinVar variation 2640776 (VCV002640776.24), dbSNP rs765796205, ClinGen allele CA5660563.